The following is an entry in ClinVar:

ClinVar aggregate classification (germline): Uncertain significance (1 of 4 stars; one submission).

Conditions:
Kabuki syndrome. Also called: NIIKAWA-KUROKI SYNDROME; Kabuki make-up syndrome. Identifiers: Orphanet 2322, MedGen C0796004, MONDO:0016512.

Submission:

Labcorp Genetics (formerly Invitae), Labcorp
Classification: Uncertain significance for Kabuki syndrome. Last evaluated: 2022-11-22. Review status: criteria provided, single submitter. Criteria: Invitae Variant Classification Sherloc (09022015). Collection method: clinical testing. Allele origin: germline.
Comment: In summary, the available evidence is currently insufficient to determine the role of this variant in disease. Therefore, it has been classified as a Variant of Uncertain Significance. Advanced modeling of protein sequence and biophysical properties (such as structural, functional, and spatial information, amino acid conservation, physicochemical variation, residue mobility, and thermodynamic stability) has been performed at Invitae for this missense variant, however the output from this modeling did not meet the statistical confidence thresholds required to predict the impact of this variant on KMT2D protein function. ClinVar contains an entry for this variant (Variation ID: 1465754). This variant has not been reported in the literature in individuals affected with KMT2D-related conditions. This variant is not present in population databases (gnomAD no frequency). This sequence change replaces valine, which is neutral and non-polar, with leucine, which is neutral and non-polar, at codon 1475 of the KMT2D protein (p.Val1475Leu).

NM_003482.4(KMT2D):c.4423G>C (p.Val1475Leu)

Gene: KMT2D (lysine methyltransferase 2D; minus strand). Cytogenetic location: 12q13.12.
Variant type: single nucleotide variant.
Coding change: c.4423G>C on transcript NM_003482.4 (MANE Select); coding-DNA position 4423, G replaced by C.
Protein change: p.Val1475Leu; replaces valine 1475 with leucine.
Molecular consequence: missense variant.
Genome position (GRCh38, 1-based): chr12:49,046,420, C>G on the plus strand (G>C on the coding strand, the complement: KMT2D is on the minus strand). VCF-style: chr12-49046420-C-G. GRCh37 (hg19) VCF-style: chr12-49440203-C-G.
Other names: short protein forms V1475L.
Identifiers: ClinVar variation 1465754 (VCV001465754.8), dbSNP rs2120606153, ClinGen allele CA384646213.
Genomic context (GRCh38, chr12:49,046,420, plus strand): 5'-AACTATTCTGCCATTCACAGTGGAAGCCAGGGGAAGCAGCCCCACACTGCATACAGGACA[C>G]ACACCTGATAGGAGCAGGAAAACAGAGCTTTAGCACCCAACCTACCCGAAGTACCCAGAA-3'
Protein context (NP_003473.3, residues 1465-1485): PKGGWKCKWC[Val1475Leu]SCMQCGAASP